The following is an entry in ClinVar:

ClinVar aggregate classification (germline): Uncertain significance (1 of 4 stars; one submission).

Conditions:
Ehlers-Danlos syndrome, musculocontractural type (EDSMC). Also called: Adducted thumb, clubfoot, progressive joint and skin laxity syndrome; ARTHROGRYPOSIS, DISTAL, WITH PECULIAR FACIES AND HYDRONEPHROSIS; ADDUCTED THUMB-CLUBFOOT SYNDROME; DUNDAR SYNDROME. Identifiers: Orphanet 2953, MedGen C1866294, MONDO:0011142.

Allele frequency attached by ClinVar (database versions not stated): gnomAD 0.00001; gnomAD exomes 0.00001; TOPMed 0.00002; ExAC 0.00003.

Submission:

Labcorp Genetics (formerly Invitae), Labcorp
Classification: Uncertain significance for Ehlers-Danlos syndrome, musculocontractural type. Last evaluated: 2025-09-04. Review status: criteria provided, single submitter. Criteria: Invitae Variant Classification Sherloc (09022015). Collection method: clinical testing. Allele origin: germline.
Comment: This sequence change replaces alanine, which is neutral and non-polar, with valine, which is neutral and non-polar, at codon 100 of the CHST14 protein (p.Ala100Val). This variant is present in population databases (rs745630272, gnomAD 0.02%). This variant has not been reported in the literature in individuals affected with CHST14-related conditions. ClinVar contains an entry for this variant (Variation ID: 2190757). Invitae Evidence Modeling of protein sequence and biophysical properties (such as structural, functional, and spatial information, amino acid conservation, physicochemical variation, residue mobility, and thermodynamic stability) indicates that this missense variant is not expected to disrupt CHST14 protein function with a negative predictive value of 80%. In summary, the available evidence is currently insufficient to determine the role of this variant in disease. Therefore, it has been classified as a Variant of Uncertain Significance.

NM_130468.4(CHST14):c.299C>T (p.Ala100Val)

Gene: CHST14 (carbohydrate sulfotransferase 14; plus strand). Cytogenetic location: 15q15.1.
Variant type: single nucleotide variant.
Coding change: c.299C>T on transcript NM_130468.4 (MANE Select); coding-DNA position 299, C replaced by T.
Protein change: p.Ala100Val; replaces alanine 100 with valine.
Molecular consequence: missense variant.
Genome position (GRCh38, 1-based): chr15:40,471,512, C>T. VCF-style: chr15-40471512-C-T. GRCh37 (hg19) VCF-style: chr15-40763711-C-T.
Other names: short protein forms A100V.
Identifiers: ClinVar variation 2190757 (VCV002190757.3), dbSNP rs745630272, ClinGen allele CA7481577.